The following is an entry in ClinVar:

NM_145207.3(AFG2A):c.2079+1dup

Gene: AFG2A (AAA ATPase AFG2A; plus strand). Cytogenetic location: 4q28.1.
Variant type: Duplication.
Coding change: c.2079+1dup on transcript NM_145207.3 (MANE Select); the canonical splice donor site of the intron after coding-DNA position 2079, one base duplicated (G; older notation c.2079+1dupG).
Molecular consequence: splice donor variant. On other transcripts: frameshift variant (1).
Genome position (GRCh38, 1-based): chr4:123,028,396, G duplicated; the last of 2 consecutive G bases (chr4:123,028,395-123,028,396); duplicating either gives the same sequence. VCF-style (leftmost placement, unchanged base first): chr4-123028394-A-AG. GRCh37 (hg19) VCF-style: chr4-123949549-A-AG.
Other names: c.2077dup, p.Val693fs (NM_001317799.2); c.2076+1dup (NM_001345856.2); c.2079+1dupG (NM_145207.2); short protein forms V693fs.
Identifiers: ClinVar variation 569060 (VCV000569060.6), dbSNP rs1560894236, ClinGen allele CA891842487.

ClinVar aggregate classification (germline): Likely pathogenic. Review status: criteria provided, multiple submitters, no conflicts (2 of 4 stars). 2 submissions from 2 submitters: Likely pathogenic (2). Last evaluated 2024-06-07.

Conditions:
Microcephaly-intellectual disability-sensorineural hearing loss-epilepsy-abnormal muscle tone syndrome (NEDHSB). Also called: NEURODEVELOPMENTAL DISORDER WITH HEARING LOSS, SEIZURES, AND BRAIN ABNORMALITIES. Identifiers: Orphanet 457351, MedGen C4225276, MONDO:0014698, OMIM 616577.

Submissions (2):

GeneDx
Classification: Likely pathogenic. Last evaluated: 2024-06-07. Review status: criteria provided, single submitter. Criteria: GeneDx Variant Classification Process June 2021. Collection method: clinical testing. Allele origin: germline. Affected: yes.
Comment: Canonical splice site variant predicted to result in an in-frame loss of the adjacent exon in a gene for which loss of function is a known mechanism of disease; Not observed at significant frequency in large population cohorts (gnomAD); This variant is associated with the following publications: (PMID: 31440721)

Labcorp Genetics (formerly Invitae), Labcorp
Classification: Likely pathogenic for Microcephaly-intellectual disability-sensorineural hearing loss-epilepsy-abnormal muscle tone syndrome. Last evaluated: 2022-08-09. Review status: criteria provided, single submitter. Criteria: Invitae Variant Classification Sherloc (09022015). Collection method: clinical testing. Allele origin: germline.
Comment: In summary, the currently available evidence indicates that the variant is pathogenic, but additional data are needed to prove that conclusively. Therefore, this variant has been classified as Likely Pathogenic. Algorithms developed to predict the effect of sequence changes on RNA splicing suggest that this variant may create or strengthen a splice site. ClinVar contains an entry for this variant (Variation ID: 569060). This variant has not been reported in the literature in individuals affected with SPATA5-related conditions. This variant is not present in population databases (gnomAD no frequency). This sequence change affects a splice site in intron 11 of the SPATA5 gene. It is expected to disrupt RNA splicing. Variants that disrupt the donor or acceptor splice site typically lead to a loss of protein function (PMID: 16199547), and loss-of-function variants in SPATA5 are known to be pathogenic (PMID: 26299366).

Literature cited by the submitters: PubMed 16199547 (cited by Labcorp Genetics (formerly Invitae), Labcorp); PubMed 26299366 (cited by Labcorp Genetics (formerly Invitae), Labcorp).